The following is an entry in ClinVar:

ClinVar aggregate classification (germline): Uncertain significance (1 of 4 stars; one submission).

Submission:

Labcorp Genetics (formerly Invitae), Labcorp
Classification: Uncertain significance. Last evaluated: 2025-01-15. Review status: criteria provided, single submitter. Criteria: Invitae Variant Classification Sherloc (09022015). Collection method: clinical testing. Allele origin: germline.
Comment: This sequence change replaces serine, which is neutral and polar, with arginine, which is basic and polar, at codon 819 of the ZNF469 protein (p.Ser819Arg). This variant is not present in population databases (gnomAD no frequency). This variant has not been reported in the literature in individuals affected with ZNF469-related conditions. ClinVar contains an entry for this variant (Variation ID: 1929123). An algorithm developed to predict the effect of missense changes on protein structure and function (PolyPhen-2) suggests that this variant is likely to be tolerated. In summary, the available evidence is currently insufficient to determine the role of this variant in disease. Therefore, it has been classified as a Variant of Uncertain Significance.

NM_001367624.2(ZNF469):c.2457C>G (p.Ser819Arg)

Gene: ZNF469 (zinc finger protein 469; plus strand). Cytogenetic location: 16q24.2.
Variant type: single nucleotide variant.
Coding change: c.2457C>G on transcript NM_001367624.2 (MANE Select); coding-DNA position 2457, C replaced by G.
Protein change: p.Ser819Arg; replaces serine 819 with arginine.
Molecular consequence: missense variant.
Genome position (GRCh38, 1-based): chr16:88,429,927, C>G. VCF-style: chr16-88429927-C-G. GRCh37 (hg19) VCF-style: chr16-88496335-C-G.
Other names: short protein forms S819R.
Identifiers: ClinVar variation 1929123 (VCV001929123.5), dbSNP rs2507578866, ClinGen allele CA397072209.